The following is an entry in ClinVar:

NM_014283.5(SUCO):c.1370A>G (p.Tyr457Cys)

Gene: SUCO (SUN domain containing ossification factor; plus strand). Cytogenetic location: 1q24.3.
Variant type: single nucleotide variant.
Coding change: c.1370A>G on transcript NM_014283.5 (MANE Select); coding-DNA position 1370, A replaced by G.
Protein change: p.Tyr457Cys; replaces tyrosine 457 with cysteine.
Molecular consequence: missense variant. On other transcripts: 5 prime UTR variant (1).
Genome position (GRCh38, 1-based): chr1:172,578,327, A>G. VCF-style: chr1-172578327-A-G. GRCh37 (hg19) VCF-style: chr1-172547467-A-G.
Other names: c.1259A>G, p.Tyr420Cys (NM_001282750.2); c.-160A>G (NM_001282751.2); c.1823A>G, p.Tyr608Cys (NM_016227.4); short protein forms Y608C, Y457C, Y420C.
Identifiers: ClinVar variation 3690435 (VCV003690435.2).

ClinVar aggregate classification (germline): Uncertain significance (1 of 4 stars; one submission).

Submission:

Labcorp Genetics (formerly Invitae), Labcorp
Classification: Uncertain significance. Last evaluated: 2025-06-23. Review status: criteria provided, single submitter. Criteria: Invitae Variant Classification Sherloc (09022015). Collection method: clinical testing. Allele origin: germline.
Comment: This sequence change replaces tyrosine, which is neutral and polar, with cysteine, which is neutral and slightly polar, at codon 457 of the SUCO protein (p.Tyr457Cys). This variant is not present in population databases (gnomAD no frequency). This variant has not been reported in the literature in individuals affected with SUCO-related conditions. ClinVar contains an entry for this variant (Variation ID: 3690435). An algorithm developed to predict the effect of missense changes on protein structure and function (PolyPhen-2) suggests that this variant is likely to be disruptive. In summary, the available evidence is currently insufficient to determine the role of this variant in disease. Therefore, it has been classified as a Variant of Uncertain Significance.